The following is an entry in ClinVar:

NM_198253.3(TERT):c.1362G>C (p.Gln454His)

Gene: TERT (telomerase reverse transcriptase; minus strand). Cytogenetic location: 5p15.33.
Variant type: single nucleotide variant.
Coding change: c.1362G>C on transcript NM_198253.3 (MANE Select); coding-DNA position 1362, G replaced by C.
Protein change: p.Gln454His; replaces glutamine 454 with histidine.
Molecular consequence: missense variant. On other transcripts: non-coding transcript variant (2).
Genome position (GRCh38, 1-based): chr5:1,293,524, C>G on the plus strand (G>C on the coding strand, the complement: TERT is on the minus strand). VCF-style: chr5-1293524-C-G. GRCh37 (hg19) VCF-style: chr5-1293639-C-G.
Other names: c.1362G>C, p.Gln454His (NM_001193376.3, NM_003219.1); short protein forms Q454H.
Identifiers: ClinVar variation 1720695 (VCV001720695.7), dbSNP rs1296849514, ClinGen allele CA359086015.

ClinVar aggregate classification (germline): Uncertain significance. Review status: criteria provided, multiple submitters, no conflicts (2 of 4 stars). 2 submissions from 2 submitters: Uncertain significance (2). Last evaluated 2025-04-03.

Conditions:
Dyskeratosis congenita, autosomal dominant 2. Identifiers: MedGen C3151443, MONDO:0013521, OMIM 613989.
Idiopathic Pulmonary Fibrosis. Also called: Idiopathic fibrosing alveolitis, chronic form; idiopathic fibrosing alveolitis. Identifiers: Orphanet 2032, MedGen C1800706, MeSH D054990, MONDO:0800504.
Dyskeratosis congenita. Identifiers: Orphanet 1775, MedGen C0265965, MONDO:0015780.

Allele frequency attached by ClinVar (database versions not stated): TOPMed 0.00001.

Submissions (2):

Ambry Genetics
Classification: Uncertain significance for Dyskeratosis congenita. Last evaluated: 2025-04-03. Review status: criteria provided, single submitter. Criteria: Ambry Variant Classification Scheme 2023. Collection method: clinical testing. Allele origin: germline.
Comment: The p.Q454H variant (also known as c.1362G>C), located in coding exon 2 of the TERT gene, results from a G to C substitution at nucleotide position 1362. The glutamine at codon 454 is replaced by histidine, an amino acid with highly similar properties. This amino acid position is conserved. In addition, the in silico prediction for this alteration is inconclusive. Based on the available evidence, the clinical significance of this variant remains unclear.

Labcorp Genetics (formerly Invitae), Labcorp
Classification: Uncertain significance for Dyskeratosis congenita, autosomal dominant 2; Idiopathic Pulmonary Fibrosis. Last evaluated: 2022-09-30. Review status: criteria provided, single submitter. Criteria: Invitae Variant Classification Sherloc (09022015). Collection method: clinical testing. Allele origin: germline.
Comment: In summary, the available evidence is currently insufficient to determine the role of this variant in disease. Therefore, it has been classified as a Variant of Uncertain Significance. Algorithms developed to predict the effect of missense changes on protein structure and function output the following: SIFT: "Tolerated"; PolyPhen-2: "Benign"; Align-GVGD: "Class C0". The histidine amino acid residue is found in multiple mammalian species, which suggests that this missense change does not adversely affect protein function. This variant has not been reported in the literature in individuals affected with TERT-related conditions. This variant is not present in population databases (gnomAD no frequency). This sequence change replaces glutamine, which is neutral and polar, with histidine, which is basic and polar, at codon 454 of the TERT protein (p.Gln454His).